The following is an entry in ClinVar:

ClinVar aggregate classification (germline): Uncertain significance (1 of 4 stars; one submission).

Conditions:
Long QT syndrome (LQTS). Identifiers: MedGen C0023976, MeSH D008133, MONDO:0002442. Disease mechanism: loss of function. Inheritance: Various modes of inheritance.

Allele frequency attached by ClinVar (database versions not stated): gnomAD exomes below 0.00001; ExAC 0.00001.
gnomAD v4.1: 2 of 1,609,104 alleles (0.00012%); no homozygotes.

Submission:

Labcorp Genetics (formerly Invitae), Labcorp
Classification: Uncertain significance for Long QT syndrome. Last evaluated: 2024-04-29. Review status: criteria provided, single submitter. Criteria: Invitae Variant Classification Sherloc (09022015). Collection method: clinical testing. Allele origin: germline.
Comment: This sequence change replaces threonine, which is neutral and polar, with isoleucine, which is neutral and non-polar, at codon 127 of the AKAP9 protein (p.Thr127Ile). This variant is present in population databases (rs750656682, gnomAD 0.0009%). This variant has not been reported in the literature in individuals affected with AKAP9-related conditions. An algorithm developed to predict the effect of missense changes on protein structure and function (PolyPhen-2) suggests that this variant is likely to be disruptive. In summary, the available evidence is currently insufficient to determine the role of this variant in disease. Therefore, it has been classified as a Variant of Uncertain Significance.

NM_005751.5(AKAP9):c.380C>T (p.Thr127Ile)

Gene: AKAP9 (A-kinase anchoring protein 9; plus strand). Cytogenetic location: 7q21.2.
Variant type: single nucleotide variant.
Coding change: c.380C>T on transcript NM_005751.5 (MANE Select); coding-DNA position 380, C replaced by T.
Protein change: p.Thr127Ile; replaces threonine 127 with isoleucine.
Molecular consequence: missense variant.
Genome position (GRCh38, 1-based): chr7:91,992,186, C>T. VCF-style: chr7-91992186-C-T. GRCh37 (hg19) VCF-style: chr7-91621500-C-T.
Other names: c.380C>T, p.Thr127Ile (NM_147185.3); short protein forms T127I.
Identifiers: ClinVar variation 2728253 (VCV002728253.3), dbSNP rs750656682, ClinGen allele CA4335793.
Genomic context (GRCh38, chr7:91,992,186, plus strand): 5'-TCATAATATATCAGGAAATTGTTTTTATACAGGTAAATGGTTGCAGTTTTGTGATGAGAA[C>T]AGGAAAGCCTACAAATTTATTAAGGGTACAGTATTTAAAACTACTTGTGATACTAATGTT-3'
Protein context (NP_005742.4, residues 117-137): EVNGCSFVMR[Thr127Ile]GKPTNLLREE